The following is an entry in ClinVar:

ClinVar aggregate classification (germline): Uncertain significance (1 of 4 stars; one submission).

Conditions:
Inborn genetic diseases. Identifiers: MedGen C0950123, MeSH D030342.

Submission:

Ambry Genetics
Classification: Uncertain significance for Inborn genetic diseases. Last evaluated: 2023-06-11. Review status: criteria provided, single submitter. Criteria: Ambry Variant Classification Scheme 2023. Collection method: clinical testing. Allele origin: germline.
Comment: The p.T265A variant (also known as c.793A>G), located in coding exon 9 of the ERCC2 gene, results from an A to G substitution at nucleotide position 793. The threonine at codon 265 is replaced by alanine, an amino acid with similar properties. This amino acid position is conserved. In addition, the in silico prediction for this alteration is inconclusive. Since supporting evidence is limited at this time, the clinical significance of this alteration remains unclear.

NM_000400.4(ERCC2):c.793A>G (p.Thr265Ala)

Gene: ERCC2 (ERCC excision repair 2, TFIIH core complex helicase subunit; minus strand). Cytogenetic location: 19q13.32.
Variant type: single nucleotide variant.
Coding change: c.793A>G on transcript NM_000400.4 (MANE Select); coding-DNA position 793, A replaced by G.
Protein change: p.Thr265Ala; replaces threonine 265 with alanine.
Molecular consequence: missense variant.
Genome position (GRCh38, 1-based): chr19:45,364,257, T>C on the plus strand (A>G on the coding strand, the complement: ERCC2 is on the minus strand). VCF-style: chr19-45364257-T-C. GRCh37 (hg19) VCF-style: chr19-45867515-T-C.
Other names: c.721A>G, p.Thr241Ala (NM_001130867.2); short protein forms T241A, T265A.
Identifiers: ClinVar variation 2566709 (VCV002566709.2), dbSNP rs2514030983, ClinGen allele CA406374054.